The following is an entry in ClinVar:

ClinVar aggregate classification (germline): Uncertain significance (1 of 4 stars; one submission).

gnomAD v4.1: 3 of 1,614,150 alleles (0.00019%); highest among the groups gnomAD compares: Non-Finnish European, 0.00025%; no homozygotes.

Submission:

Labcorp Genetics (formerly Invitae), Labcorp
Classification: Uncertain significance. Last evaluated: 2025-01-27. Review status: criteria provided, single submitter. Criteria: Invitae Variant Classification Sherloc (09022015). Collection method: clinical testing. Allele origin: germline.
Comment: This sequence change replaces proline, which is neutral and non-polar, with leucine, which is neutral and non-polar, at codon 325 of the ACTN1 protein (p.Pro325Leu). This variant is not present in population databases (gnomAD no frequency). This variant has not been reported in the literature in individuals affected with ACTN1-related conditions. Invitae Evidence Modeling of protein sequence and biophysical properties (such as structural, functional, and spatial information, amino acid conservation, physicochemical variation, residue mobility, and thermodynamic stability) indicates that this missense variant is expected to disrupt ACTN1 protein function with a positive predictive value of 80%. In summary, the available evidence is currently insufficient to determine the role of this variant in disease. Therefore, it has been classified as a Variant of Uncertain Significance.

NM_001130004.2(ACTN1):c.974C>T (p.Pro325Leu)

Gene: ACTN1 (actinin alpha 1; minus strand). Cytogenetic location: 14q24.1.
Variant type: single nucleotide variant.
Coding change: c.974C>T on transcript NM_001130004.2 (MANE Select); coding-DNA position 974, C replaced by T.
Protein change: p.Pro325Leu; replaces proline 325 with leucine.
Molecular consequence: missense variant.
Genome position (GRCh38, 1-based): chr14:68,892,165, G>A on the plus strand (C>T on the coding strand, the complement: ACTN1 is on the minus strand). VCF-style: chr14-68892165-G-A. GRCh37 (hg19) VCF-style: chr14-69358882-G-A.
Other names: c.974C>T, p.Pro325Leu (NM_001102.4, NM_001130005.2, NM_001411035.1 and 9 more transcripts); c.779C>T, p.Pro260Leu (NM_001411036.1, NM_001424026.1, NM_001424028.1); c.1100C>T, p.Pro367Leu (NM_001424013.1); c.1061C>T, p.Pro354Leu (NM_001424015.1); c.971C>T, p.Pro324Leu (NM_001424017.1); c.911C>T, p.Pro304Leu (NM_001424018.1, NM_001424020.1, NM_001424022.1); c.905C>T, p.Pro302Leu (NM_001424021.1); c.149C>T, p.Pro50Leu (NM_001424030.1); short protein forms P260L, P367L, P302L, P354L, P50L, P324L, P304L, P325L.
Identifiers: ClinVar variation 3684594 (VCV003684594.2).